The following is an entry in ClinVar:

NM_006060.6(IKZF1):c.160+13C>T

Gene: IKZF1 (IKAROS family zinc finger 1; plus strand). Cytogenetic location: 7p12.2.
Variant type: single nucleotide variant.
Coding change: c.160+13C>T on transcript NM_006060.6 (MANE Select); 13 bases into the intron after coding-DNA position 160, C replaced by T.
Molecular consequence: intron variant.
Genome position (GRCh38, 1-based): chr7:50,327,770, C>T. VCF-style: chr7-50327770-C-T. GRCh37 (hg19) VCF-style: chr7-50367366-C-T.
Other names: c.160+13C>T (NM_001410879.1, NM_001291839.2, NM_001220765.3 and 14 more transcripts).
Identifiers: ClinVar variation 2878223 (VCV002878223.3), dbSNP rs1408305292, ClinGen allele CA574507330.

ClinVar aggregate classification (germline): Uncertain significance (1 of 4 stars; one submission).

Allele frequency attached by ClinVar (database versions not stated): gnomAD exomes below 0.00001.
gnomAD v4.1: 4 of 1,602,744 alleles (0.00025%); highest among the groups gnomAD compares: South Asian, 0.0022%; no homozygotes.

Submission:

Labcorp Genetics (formerly Invitae), Labcorp
Classification: Uncertain significance. Last evaluated: 2023-09-11. Review status: criteria provided, single submitter. Criteria: Invitae Variant Classification Sherloc (09022015). Collection method: clinical testing. Allele origin: germline.
Comment: In summary, the available evidence is currently insufficient to determine the role of this variant in disease. Therefore, it has been classified as a Variant of Uncertain Significance. Experimental studies and prediction algorithms are not available or were not evaluated, and the effect of this variant on mRNA splicing is currently unknown. This variant has not been reported in the literature in individuals affected with IKZF1-related conditions. This variant is present in population databases (no rsID available, gnomAD 0.001%). This sequence change falls in intron 3 of the IKZF1 gene. It does not directly change the encoded amino acid sequence of the IKZF1 protein.